The following is an entry in ClinVar:

ClinVar aggregate classification (germline): Likely benign (1 of 4 stars; one submission).

Conditions:
Retinitis pigmentosa (RP). Identifiers: Orphanet 791, MedGen C0035334, MeSH D012174, MONDO:0019200, OMIM 268000. Inheritance: Autosomal dominant, autosomal recessive and X linked inheritance.

Allele frequency attached by ClinVar (database versions not stated): gnomAD exomes 0.00013 and 0.00034; 1000 Genomes Project 30x 0.00047; ExAC 0.00059; 1000 Genomes Project 0.00060; gnomAD 0.00132 and 0.00143; TOPMed 0.00155.
gnomAD v4.1: 353 of 1,281,440 alleles (0.028%); highest among the groups gnomAD compares: African/African-American, 0.47%; 5 homozygotes.

Submission:

Illumina Laboratory Services, Illumina
Classification: Likely benign for Retinitis pigmentosa. Last evaluated: 2018-01-12. Review status: criteria provided, single submitter. Criteria: ICSL Variant Classification Criteria 13 December 2019. Collection method: clinical testing. Allele origin: germline.
Comment: This variant was observed in the ICSL laboratory as part of a predisposition screen in an ostensibly healthy population. It had not been previously curated by ICSL or reported in the Human Gene Mutation Database (HGMD: prior to June 1st, 2018), and was therefore a candidate for classification through an automated scoring system. Utilizing variant allele frequency, disease prevalence and penetrance estimates, and inheritance mode, an automated score was calculated to assess if this variant is too frequent to cause the disease. Based on the score and internal cut-off values, a variant classified as likely benign is not then subjected to further curation. The score for this variant resulted in a classification of likely benign for this disease.

NM_001031710.3(KLHL7):c.*98G>A

Gene: KLHL7 (kelch like family member 7; plus strand). Cytogenetic location: 7p15.3.
Variant type: single nucleotide variant.
Coding change: c.*98G>A on transcript NM_001031710.3 (MANE Select); 98 bases downstream of the stop codon, G replaced by A.
Molecular consequence: 3 prime UTR variant. On other transcripts: non-coding transcript variant (1).
Genome position (GRCh38, 1-based): chr7:23,174,396, G>A. VCF-style: chr7-23174396-G-A. GRCh37 (hg19) VCF-style: chr7-23214015-G-A.
Other names: c.*98G>A (NM_018846.5).
Identifiers: ClinVar variation 359804 (VCV000359804.5), dbSNP rs183472096, ClinGen allele CA4186690.